The following is an entry in ClinVar:

ClinVar aggregate classification (germline): Uncertain significance (1 of 4 stars; one submission).

Conditions:
Alstrom syndrome (ALMS). Identifiers: Orphanet 64, MedGen C0268425, MONDO:0008763, OMIM 203800.

gnomAD v4.1: 1 of 1,613,640 alleles (0.000062%); highest among the groups gnomAD compares: Non-Finnish European, 0.000085%; no homozygotes.

Submission:

Labcorp Genetics (formerly Invitae), Labcorp
Classification: Uncertain significance for Alstrom syndrome. Last evaluated: 2025-12-08. Review status: criteria provided, single submitter. Criteria: Invitae Variant Classification Sherloc (09022015). Collection method: clinical testing. Allele origin: germline.
Comment: This sequence change replaces proline, which is neutral and non-polar, with threonine, which is neutral and polar, at codon 1259 of the ALMS1 protein (p.Pro1259Thr). This variant is not present in population databases (gnomAD no frequency). This variant has not been reported in the literature in individuals affected with ALMS1-related conditions. An algorithm developed to predict the effect of missense changes on protein structure and function outputs the following: PolyPhen-2: "Not Available". The threonine amino acid residue is found in multiple mammalian species, which suggests that this missense change does not adversely affect protein function. In summary, the available evidence is currently insufficient to determine the role of this variant in disease. Therefore, it has been classified as a Variant of Uncertain Significance.

NM_001378454.1(ALMS1):c.3772C>A (p.Pro1258Thr)

Gene: ALMS1 (ALMS1 centrosome and basal body associated protein; plus strand). Cytogenetic location: 2p13.1.
Variant type: single nucleotide variant.
Coding change: c.3772C>A on transcript NM_001378454.1 (MANE Select); coding-DNA position 3772, C replaced by A.
Protein change: p.Pro1258Thr; replaces proline 1258 with threonine.
Molecular consequence: missense variant.
Genome position (GRCh38, 1-based): chr2:73,450,299, C>A. VCF-style: chr2-73450299-C-A. GRCh37 (hg19) VCF-style: chr2-73677426-C-A.
Other names: c.3775C>A, p.Pro1259Thr (NM_015120.4); short protein forms P1259T, P1258T.
Identifiers: ClinVar variation 4739715 (VCV004739715.1).
Genomic context (GRCh38, chr2:73,450,299, plus strand): 5'-TCTTACTCACACACAGAGAAGCCTGGTATTTTCTACCAACAGGTCTTGCCAGATAATCAT[C>A]CAACTGAAGAGGCTCTGAAAATTTCAGTTGCCTCTGAACCAGTTGACCAGACAACTGGCA-3'
Protein context (NP_001365383.1, residues 1248-1268): FYQQVLPDNH[Pro1258Thr]TEEALKISVA